The following is an entry in ClinVar:

ClinVar aggregate classification (germline): Uncertain significance (1 of 4 stars; one submission).

Conditions:
Malignant hyperthermia, susceptibility to, 1 (MHS1). Also called: Anesthesia related hyperthermia; Malignant hyperpyrexia; Fulminating hyperpyrexia; Pharmacogenic myopathy; Malignant hyperthermia suceptibility 1; RYR1-Related Malignant Hyperthermia Susceptibility. Identifiers: Orphanet 423, MedGen C2930980, MONDO:0007783, OMIM 145600.

Submission:

All of Us Research Program, National Institutes of Health
Classification: Uncertain significance for Malignant hyperthermia, susceptibility to, 1. Last evaluated: 2024-06-11. Review status: criteria provided, single submitter. Criteria: ACMG Guidelines, 2015. Collection method: clinical testing. Allele origin: germline. Inheritance: Autosomal dominant inheritance. Observed: 1 variant allele, 1 heterozygote.
Comment: This study involves interpretation of variants in research participants for the purpose of population health screening. Participant phenotype was not available at the time of variant classification. Additional details can be found in publication PMID: 35346344, PMCID: PMC8962531

NM_000540.3(RYR1):c.13807G>A (p.Gly4603Ser)

Gene: RYR1 (ryanodine receptor 1; plus strand). Cytogenetic location: 19q13.2.
Variant type: single nucleotide variant.
Coding change: c.13807G>A on transcript NM_000540.3 (MANE Select); coding-DNA position 13807, G replaced by A.
Protein change: p.Gly4603Ser; replaces glycine 4603 with serine.
Molecular consequence: missense variant.
Genome position (GRCh38, 1-based): chr19:38,572,079, G>A. VCF-style: chr19-38572079-G-A. GRCh37 (hg19) VCF-style: chr19-39062719-G-A.
Other names: c.13792G>A, p.Gly4598Ser (NM_001042723.2); short protein forms G4598S, G4603S.
Identifiers: ClinVar variation 3385612 (VCV003385612.1).